The following is an entry in ClinVar:

NM_001972.4(ELANE):c.641G>A (p.Gly214Glu)

Gene: ELANE (elastase, neutrophil expressed; plus strand). Cytogenetic location: 19p13.3.
Variant type: single nucleotide variant.
Coding change: c.641G>A on transcript NM_001972.4 (MANE Select); coding-DNA position 641, G replaced by A.
Protein change: p.Gly214Glu; replaces glycine 214 with glutamic acid.
Molecular consequence: missense variant.
Genome position (GRCh38, 1-based): chr19:856,001, G>A. VCF-style: chr19-856001-G-A. GRCh37 (hg19) VCF-style: chr19-856001-G-A.
Other names: short protein forms G214E.
Identifiers: ClinVar variation 1301410 (VCV001301410.3), dbSNP rs1555710089, ClinGen allele CA402918999.

ClinVar aggregate classification (germline): Likely pathogenic. Review status: criteria provided, single submitter (1 of 4 stars). 2 submissions from 2 submitters: Likely pathogenic (1). 1 of the submissions does not count toward it. Last evaluated 2023-06-22.

Conditions:
Neutropenia, severe congenital, 1, autosomal dominant. Identifiers: MedGen C1859966, MONDO:0042490, OMIM 202700.

Submissions (2):

Neuberg Centre For Genomic Medicine, NCGM
Classification: Likely pathogenic for Neutropenia, severe congenital, 1, autosomal dominant. Last evaluated: 2023-06-22. Review status: criteria provided, single submitter. Criteria: ACMG Guidelines, 2015. Collection method: clinical testing. Allele origin: germline. Inheritance: Autosomal dominant inheritance. Affected: yes.
Comment: The observed missense c.641G>A(p.Gly214Glu) variant in ELANE gene has not been reported previously as a pathogenic variant nor as a benign variant, to our knowledge. This variant is absent in gnomAD Exomes. This variant has been reported to the ClinVar database as Likely Pathogenic. The amino acid Gly at position 214 is changed to a Glu changing protein sequence and it might alter its composition and physico-chemical properties. The amino acid change p.Gly214Glu in ELANE is predicted as conserved by GERP++ and PhyloP across 100 vertebrates. Multiple lines of computational evidence (Polyphen - Possibly Damaging, SIFT - Damaging, and MutationTaster - Disease causing) predict a damaging effect on protein structure and function for this variant. Same amino acid change as a previously established pathogenic variant regardless of nucleotide change (Sera et al., 2005). For these reasons, this variant has been classified as Likely Pathogenic.

Institute of Human Genetics, Heidelberg University
Classification: Likely pathogenic for Neutropenia, severe congenital, 1, autosomal dominant. Last evaluated: 2021-10-20. Review status: no assertion criteria provided. Collection method: clinical testing. Allele origin: germline. Affected: yes. Not counted in ClinVar's aggregate classification.